The following is an entry in ClinVar:

NM_007078.3(LDB3):c.1175C>T (p.Ala392Val)

Gene: LDB3 (LIM domain binding 3; plus strand). Cytogenetic location: 10q23.2.
Variant type: single nucleotide variant.
Coding change: c.1175C>T on transcript NM_007078.3 (MANE Select); coding-DNA position 1175, C replaced by T.
Protein change: p.Ala392Val; replaces alanine 392 with valine.
Molecular consequence: missense variant.
Genome position (GRCh38, 1-based): chr10:86,709,994, C>T. VCF-style: chr10-86709994-C-T. GRCh37 (hg19) VCF-style: chr10-88469751-C-T.
Other names: c.845C>T, p.Ala282Val (NM_001080114.2); c.1190C>T, p.Ala397Val (NM_001171610.2); c.986C>T, p.Ala329Val (NM_001368064.1, NM_001368065.1); c.1034C>T, p.Ala345Val (NM_001368066.1); short protein forms A282V, A392V, A397V, A329V, A345V.
Identifiers: ClinVar variation 4097089 (VCV004097089.2).
Genomic context (GRCh38, chr10:86,709,994, plus strand): 5'-TGGCCGCCTCTTCAGCACCTGCCACCCACACCAGCTACAGTGAGGGCCCCGCCGCCCCTG[C>T]ACCCAAGCCCCGGGTTGTCACCACTGCCAGCATCCGGCCTTCTGTCTACCAGCCAGGTAA-3'
Protein context (NP_009009.1, residues 382-402): TSYSEGPAAP[Ala392Val]PKPRVVTTAS

ClinVar aggregate classification (germline): Uncertain significance. Review status: criteria provided, multiple submitters, no conflicts (2 of 4 stars). 2 submissions from 2 submitters: Uncertain significance (2). Last evaluated 2025-08-11.

Conditions:
Myofibrillar myopathy 4. Also called: Zaspopathy (type). Identifiers: Orphanet 98912, MedGen C4721886, MONDO:0012277, OMIM 609452.
Cardiovascular phenotype. Identifiers: MedGen CN230736.

gnomAD v4.1: 1 of 1,613,264 alleles (0.000062%); highest among the groups gnomAD compares: Admixed American, 0.0017%; no homozygotes.

Submissions (2):

Ambry Genetics
Classification: Uncertain significance for Cardiovascular phenotype. Last evaluated: 2025-08-11. Review status: criteria provided, single submitter. Criteria: Ambry Variant Classification Scheme 2023. Collection method: clinical testing. Allele origin: germline.

Labcorp Genetics (formerly Invitae), Labcorp
Classification: Uncertain significance for Myofibrillar myopathy 4. Last evaluated: 2025-04-24. Review status: criteria provided, single submitter. Criteria: Invitae Variant Classification Sherloc (09022015). Collection method: clinical testing. Allele origin: germline.
Comment: The LDB3 gene has multiple clinically relevant transcripts. This variant occurs in alternate transcript NM_007078.3, and corresponds to NM_001080116.1:c.*10620C>T in the primary transcript. This sequence change replaces alanine, which is neutral and non-polar, with valine, which is neutral and non-polar, at codon 392 of the LDB3 protein (p.Ala392Val). This variant is not present in population databases (gnomAD no frequency). This variant has not been reported in the literature in individuals affected with LDB3-related conditions. Experimental studies and prediction algorithms are not available or were not evaluated, and the functional significance of this variant is currently unknown. In summary, the available evidence is currently insufficient to determine the role of this variant in disease. Therefore, it has been classified as a Variant of Uncertain Significance.